The following is an entry in ClinVar:

ClinVar aggregate classification (germline): Uncertain significance (1 of 4 stars; one submission).

Conditions:
Familial temporal lobe epilepsy 7. Identifiers: Orphanet 101046, MedGen C4225327, MONDO:0014639, OMIM 616436.
Norman-Roberts syndrome (LIS2). Also called: Lissencephaly 2 (Norman-Roberts type). Identifiers: Orphanet 89844, MedGen C0796089, MONDO:0009760, OMIM 257320.

Submission:

Labcorp Genetics (formerly Invitae), Labcorp
Classification: Uncertain significance for Familial temporal lobe epilepsy 7; Norman-Roberts syndrome. Last evaluated: 2024-09-29. Review status: criteria provided, single submitter. Criteria: Invitae Variant Classification Sherloc (09022015). Collection method: clinical testing. Allele origin: germline.
Comment: This sequence change replaces lysine, which is basic and polar, with glutamine, which is neutral and polar, at codon 1464 of the RELN protein (p.Lys1464Gln). This variant is not present in population databases (gnomAD no frequency). This variant has not been reported in the literature in individuals affected with RELN-related conditions. Invitae Evidence Modeling of protein sequence and biophysical properties (such as structural, functional, and spatial information, amino acid conservation, physicochemical variation, residue mobility, and thermodynamic stability) indicates that this missense variant is not expected to disrupt RELN protein function with a negative predictive value of 80%. In summary, the available evidence is currently insufficient to determine the role of this variant in disease. Therefore, it has been classified as a Variant of Uncertain Significance.

NM_005045.4(RELN):c.4390A>C (p.Lys1464Gln)

Gene: RELN (reelin; minus strand). Cytogenetic location: 7q22.1.
Variant type: single nucleotide variant.
Coding change: c.4390A>C on transcript NM_005045.4 (MANE Select); coding-DNA position 4390, A replaced by C.
Protein change: p.Lys1464Gln; replaces lysine 1464 with glutamine.
Molecular consequence: missense variant.
Genome position (GRCh38, 1-based): chr7:103,574,213, T>G on the plus strand (A>C on the coding strand, the complement: RELN is on the minus strand). VCF-style: chr7-103574213-T-G. GRCh37 (hg19) VCF-style: chr7-103214660-T-G.
Other names: c.4390A>C, p.Lys1464Gln (NM_173054.3); short protein forms K1464Q.
Identifiers: ClinVar variation 3751054 (VCV003751054.2).